The following is an entry in ClinVar:

ClinVar aggregate classification (germline): Uncertain significance (1 of 4 stars; one submission).

Conditions:
Hypertrophic cardiomyopathy. Also called: HYPERTROPHIC MYOCARDIOPATHY. Identifiers: Orphanet 217569, MedGen C0007194, MeSH D002312, MONDO:0005045, HP:0001639.

Submission:

Labcorp Genetics (formerly Invitae), Labcorp
Classification: Uncertain significance for Hypertrophic cardiomyopathy. Last evaluated: 2023-06-17. Review status: criteria provided, single submitter. Criteria: Invitae Variant Classification Sherloc (09022015). Collection method: clinical testing. Allele origin: germline.
Comment: Algorithms developed to predict the effect of sequence changes on RNA splicing suggest that this variant may disrupt the consensus splice site. In summary, the available evidence is currently insufficient to determine the role of this variant in disease. Therefore, it has been classified as a Variant of Uncertain Significance. This variant has not been reported in the literature in individuals affected with MYBPC3-related conditions. This variant is not present in population databases (gnomAD no frequency). This sequence change falls in intron 3 of the MYBPC3 gene. It does not directly change the encoded amino acid sequence of the MYBPC3 protein.

NM_000256.3(MYBPC3):c.407-20_407-19del

Gene: MYBPC3 (myosin binding protein C3; minus strand). Cytogenetic location: 11p11.2.
Variant type: Deletion.
Coding change: c.407-20_407-19del on transcript NM_000256.3 (MANE Select); 20 bases into the intron before coding-DNA position 407 through 19 bases into the intron before coding-DNA position 407, 2 bases deleted (GA; older notation c.407-20_407-19delGA).
Molecular consequence: intron variant.
Genome position (GRCh38, 1-based): chr11:47,350,131-47,350,132, TC deleted on the plus strand (GA on the coding strand, the reverse complement: MYBPC3 is on the minus strand); deleting any 2 consecutive bases within chr11:47,350,131-47,350,133 gives the same sequence; the c. name uses the placement nearest the transcript's 3' end. VCF-style (leftmost placement, unchanged base first): chr11-47350130-TTC-T. GRCh37 (hg19) VCF-style: chr11-47371681-TTC-T.
Identifiers: ClinVar variation 2783238 (VCV002783238.3), dbSNP rs2495782245, ClinGen allele CA2613398023.